The following is an entry in ClinVar:

NM_130797.4(DPP6):c.2193G>A (p.Gln731=)

Gene: DPP6 (dipeptidyl peptidase like 6; plus strand). Cytogenetic location: 7q36.2.
Variant type: single nucleotide variant.
Coding change: c.2193G>A on transcript NM_130797.4 (MANE Select); coding-DNA position 2193, G replaced by A.
Protein change: p.Gln731=; no amino-acid change (glutamine 731 retained).
Molecular consequence: synonymous variant. On other transcripts: non-coding transcript variant (2).
Genome position (GRCh38, 1-based): chr7:154,885,692, G>A. VCF-style: chr7-154885692-G-A. GRCh37 (hg19) VCF-style: chr7-154677402-G-A.
Other names: c.2010G>A, p.Gln670= (NM_001364497.2, NM_001364498.2, NM_001364499.2 and 1 more transcripts); c.2007G>A, p.Gln669= (NM_001936.5); c.2001G>A, p.Gln667= (NM_001039350.3); c.1872G>A, p.Gln624= (NM_001290252.2).
Identifiers: ClinVar variation 2571303 (VCV002571303.27), dbSNP rs189554078, ClinGen allele CA4583851.

ClinVar aggregate classification (germline): Likely benign (1 of 4 stars; one submission).

Allele frequency attached by ClinVar (database versions not stated): gnomAD exomes 0.00031; ExAC 0.00191; 1000 Genomes Project 0.00200; 1000 Genomes Project 30x 0.00250; gnomAD 0.00314; TOPMed 0.00367; ESP Exome Variant Server 0.00373.
gnomAD v4.1: 941 of 1,598,850 alleles (0.059%); highest among the groups gnomAD compares: African/African-American, 1.1%; 9 homozygotes.

Submission:

CeGaT Center for Human Genetics Tuebingen
Classification: Likely benign. Last evaluated: 2024-11-01. Review status: criteria provided, single submitter. Criteria: CeGaT Center For Human Genetics Tuebingen Variant Classification Criteria Version 2. Collection method: clinical testing. Allele origin: germline. Affected: yes. Observed: 2 variant alleles.
Comment: DPP6: BP4, BP7, BS1